The following is an entry in ClinVar:

NM_152564.5(VPS13B):c.4077T>C (p.Ser1359=)

Gene: VPS13B (vacuolar protein sorting 13 homolog B; plus strand). Cytogenetic location: 8q22.2.
Variant type: single nucleotide variant.
Coding change: c.4077T>C on transcript NM_152564.5 (MANE Select); coding-DNA position 4077, T replaced by C.
Protein change: p.Ser1359=; no amino-acid change (serine 1359 retained).
Molecular consequence: synonymous variant.
Genome position (GRCh38, 1-based): chr8:99,502,870, T>C. VCF-style: chr8-99502870-T-C. GRCh37 (hg19) VCF-style: chr8-100515098-T-C.
Other names: c.4077T>C, p.Ser1359= (NM_017890.5).
Identifiers: ClinVar variation 2712914 (VCV002712914.4), dbSNP rs748881375, ClinGen allele CA4823414.

ClinVar aggregate classification (germline): Likely benign. Review status: criteria provided, single submitter (1 of 4 stars). 2 submissions from 2 submitters: Likely benign (1). 1 of the submissions does not count toward it. Last evaluated 2025-12-18.

Conditions:
VPS13B-related disorder. Also called: VPS13B-related condition.
Cohen syndrome (COH1). Also called: Cutis verticis gyrata, retinitis pigmentosa, and sensorineural deafness; PEPPER SYNDROME. Identifiers: Orphanet 193, MedGen C0265223, MONDO:0008999, OMIM 216550.

Allele frequency attached by ClinVar (database versions not stated): gnomAD exomes below 0.00001; ExAC 0.00001.
gnomAD v4.1: 1 of 1,613,632 alleles (0.000062%); highest among the groups gnomAD compares: Admixed American, 0.0017%; no homozygotes.

Submissions (2):

Labcorp Genetics (formerly Invitae), Labcorp
Classification: Likely benign for Cohen syndrome. Last evaluated: 2025-12-18. Review status: criteria provided, single submitter. Criteria: Invitae Variant Classification Sherloc (09022015). Collection method: clinical testing. Allele origin: germline.

PreventionGenetics, part of Exact Sciences
Classification: Likely benign for VPS13B-related condition. Last evaluated: 2024-05-01. Review status: no assertion criteria provided. Collection method: clinical testing. Allele origin: germline. Not counted in ClinVar's aggregate classification.
Comment: This variant is classified as likely benign based on ACMG/AMP sequence variant interpretation guidelines (Richards et al. 2015 PMID: 25741868, with internal and published modifications).